The following is an entry in ClinVar:

ClinVar aggregate classification (germline): Likely benign. Review status: criteria provided, multiple submitters, no conflicts (2 of 4 stars). 2 submissions from 2 submitters: Likely benign (2). Last evaluated 2024-07-19.

Conditions:
Familial cancer of breast. Also called: Hereditary breast cancer; hereditary breast carcinoma; BREAST CANCER, FAMILIAL. Identifiers: Orphanet 227535, MedGen C0346153, MONDO:0016419, OMIM 114480. Disease mechanism: loss of function.

Submissions (2):

Myriad Genetics, Inc.
Classification: Likely benign for Familial cancer of breast. Last evaluated: 2024-07-19. Review status: criteria provided, single submitter. Criteria: Myriad Autosomal Dominant, Autosomal Recessive and X-Linked Classification Criteria (2023). Collection method: clinical testing. Allele origin: unknown.
Comment: This variant is considered likely benign. This variant is intronic and is not expected to impact mRNA splicing.

Labcorp Genetics (formerly Invitae), Labcorp
Classification: Likely benign for Familial cancer of breast. Last evaluated: 2022-12-24. Review status: criteria provided, single submitter. Criteria: Invitae Variant Classification Sherloc (09022015). Collection method: clinical testing. Allele origin: germline.

NM_000465.4(BARD1):c.364+8C>A

Gene: BARD1 (BRCA1 associated RING domain 1; minus strand). Cytogenetic location: 2q35.
Variant type: single nucleotide variant.
Coding change: c.364+8C>A on transcript NM_000465.4 (MANE Select); 8 bases into the intron after coding-DNA position 364, C replaced by A.
Molecular consequence: intron variant.
Genome position (GRCh38, 1-based): chr2:214,792,289, G>T on the plus strand (C>A on the coding strand, the complement: BARD1 is on the minus strand). VCF-style: chr2-214792289-G-T. GRCh37 (hg19) VCF-style: chr2-215657013-G-T.
Other names: c.158+17123C>A (NM_001282548.2); c.307+8C>A (NM_001282543.2); c.215+4772C>A (NM_001282545.2); c.364+8C>A (NM_001282549.2).
Identifiers: ClinVar variation 1140220 (VCV001140220.11), dbSNP rs769878334, ClinGen allele CA2499215634.
Genomic context (GRCh38, chr2:214,792,289, plus strand): 5'-TTTATGAATATGAATTCATCAGTTTTTAACTGATGAATTTAACTAAGAGAGATAGGGATA[G>T]TTCTTACCTGACAGCTCATTGTCATGTAGCAAATTTCGAAGCTTACTACAAAGTTGAATC-3'